The following is an entry in ClinVar:

ClinVar aggregate classification (germline): Uncertain significance (1 of 4 stars; one submission).

Conditions:
Developmental and epileptic encephalopathy. Identifiers: MedGen C5779964, MONDO:0100620.

Submission:

Labcorp Genetics (formerly Invitae), Labcorp
Classification: Uncertain significance for Early-infantile DEE. Last evaluated: 2019-06-26. Review status: criteria provided, single submitter. Criteria: Invitae Variant Classification Sherloc (09022015). Collection method: clinical testing. Allele origin: germline.
Comment: This sequence change replaces cysteine with serine at codon 8 of the CACNA2D2 protein (p.Cys8Ser). The cysteine residue is weakly conserved and there is a moderate physicochemical difference between cysteine and serine. The frequency data for this variant in the population databases is considered unreliable, as metrics indicate insufficient coverage at this position in the ExAC database. This variant has not been reported in the literature in individuals with CACNA2D2-related conditions. In summary, the available evidence is currently insufficient to determine the role of this variant in disease. Therefore, it has been classified as a Variant of Uncertain Significance.

NM_006030.4(CACNA2D2):c.23G>C (p.Cys8Ser)

Gene: CACNA2D2 (calcium voltage-gated channel auxiliary subunit alpha2delta 2; minus strand). Cytogenetic location: 3p21.31.
Variant type: single nucleotide variant.
Coding change: c.23G>C on transcript NM_006030.4 (MANE Select); coding-DNA position 23, G replaced by C.
Protein change: p.Cys8Ser; replaces cysteine 8 with serine.
Molecular consequence: missense variant. On other transcripts: intron variant (1).
Genome position (GRCh38, 1-based): chr3:50,503,401, C>G on the plus strand (G>C on the coding strand, the complement: CACNA2D2 is on the minus strand). VCF-style: chr3-50503401-C-G. GRCh37 (hg19) VCF-style: chr3-50540832-C-G.
Other names: c.23G>C, p.Cys8Ser (NM_001005505.3, NM_001174051.3); c.-2+668G>C (NM_001291101.1); short protein forms C8S.
Identifiers: ClinVar variation 951328 (VCV000951328.3), dbSNP rs1699068380, ClinGen allele CA353000531.